The following is an entry in ClinVar:

NM_000414.4(HSD17B4):c.714+12T>G

Gene: HSD17B4 (hydroxysteroid 17-beta dehydrogenase 4; plus strand). Cytogenetic location: 5q23.1.
Variant type: single nucleotide variant.
Coding change: c.714+12T>G on transcript NM_000414.4 (MANE Select); 12 bases into the intron after coding-DNA position 714, T replaced by G.
Molecular consequence: intron variant.
Genome position (GRCh38, 1-based): chr5:119,489,295, T>G. VCF-style: chr5-119489295-T-G. GRCh37 (hg19) VCF-style: chr5-118824990-T-G.
Other names: c.789+12T>G (NM_001199291.3); c.294+12T>G (NM_001292028.2); c.642+12T>G (NM_001292027.2); c.660+12T>G (NM_001199292.2).
Identifiers: ClinVar variation 517408 (VCV000517408.12), dbSNP rs762828103, ClinGen allele CA3381937.

ClinVar aggregate classification (germline): Likely benign. Review status: criteria provided, multiple submitters, no conflicts (2 of 4 stars). 3 submissions from 3 submitters: Likely benign (3). Last evaluated 2026-01-12.

Conditions:
Bifunctional peroxisomal enzyme deficiency (DBIF). Also called: PBFE DEFICIENCY; DBP DEFICIENCY; D-bifunctional protein deficiency. Identifiers: Orphanet 300, MedGen C0342870, MONDO:0009855, OMIM 261515. Disease mechanism: loss of function.
Perrault syndrome. Also called: Gonadal dysgenesis with auditory dysfunction, autosomal recessive inheritance. Identifiers: Orphanet 2855, MedGen C0685838, MONDO:0017312.

Allele frequency attached by ClinVar (database versions not stated): TOPMed 0.00010; gnomAD exomes 0.00001 and 0.00004; gnomAD 0.00002; ExAC 0.00003.
gnomAD v4.1: 22 of 1,563,246 alleles (0.0014%); highest among the groups gnomAD compares: Admixed American, 0.022%; no homozygotes.

Submissions (3):

Labcorp Genetics (formerly Invitae), Labcorp
Classification: Likely benign for Perrault syndrome; Bifunctional peroxisomal enzyme deficiency. Last evaluated: 2026-01-12. Review status: criteria provided, single submitter. Criteria: Invitae Variant Classification Sherloc (09022015). Collection method: clinical testing. Allele origin: germline.

Blueprint Genetics
Classification: Likely benign. Last evaluated: 2021-09-26. Review status: criteria provided, single submitter. Criteria: ACMG Guidelines, 2015. Collection method: clinical testing. Allele origin: germline.

Laboratory for Molecular Medicine, Mass General Brigham Personalized Medicine
Classification: Likely benign. Last evaluated: 2017-07-06. Review status: criteria provided, single submitter. Criteria: LMM Criteria. Collection method: clinical testing. Allele origin: germline. Observed: 1 variant allele.
Comment: c.789+12T>G in intron 10 of HSD17B4: This variant is not expected to have clinic al significance because it does not alter an amino acid residue and is not locat ed within the splice consensus sequence. It has been identified in 12/33470 Lati no chromosomes by the Genome Aggregation Database (gnomAD; dbSNP rs762828103).